The following is an entry in ClinVar:

ClinVar aggregate classification (germline): Likely pathogenic. Review status: criteria provided, single submitter (1 of 4 stars). 2 submissions from 2 submitters: Likely pathogenic (1). 1 of the submissions does not count toward it. Last evaluated 2022-12-22.

Conditions:
Mosaic variegated aneuploidy syndrome 1 (MVA1). Also called: Warburton-Anyane-Yeboa syndrome. Identifiers: Orphanet 1052, MedGen C1850343, MONDO:0009759, OMIM 257300.

Submissions (2):

Labcorp Genetics (formerly Invitae), Labcorp
Classification: Likely pathogenic for Mosaic variegated aneuploidy syndrome 1. Last evaluated: 2022-12-22. Review status: criteria provided, single submitter. Criteria: Invitae Variant Classification Sherloc (09022015). Collection method: clinical testing. Allele origin: germline.
Comment: This sequence change affects an acceptor splice site in intron 21 of the BUB1B gene. It is expected to disrupt RNA splicing. Variants that disrupt the donor or acceptor splice site typically lead to a loss of protein function (PMID: 16199547), and loss-of-function variants in BUB1B are known to be pathogenic (PMID: 15475955, 21190457). This variant is not present in population databases (gnomAD no frequency). This variant has not been reported in the literature in individuals affected with BUB1B-related conditions. ClinVar contains an entry for this variant (Variation ID: 591391). Algorithms developed to predict the effect of sequence changes on RNA splicing suggest that this variant may disrupt the consensus splice site. In summary, the currently available evidence indicates that the variant is pathogenic, but additional data are needed to prove that conclusively. Therefore, this variant has been classified as Likely Pathogenic.

Gharavi Laboratory, Columbia University
Classification: Uncertain significance. Last evaluated: 2018-09-16. Review status: no assertion criteria provided. Criteria: ACMG Guidelines, 2015. Collection method: research. Allele origin: germline. Affected: yes. Not counted in ClinVar's aggregate classification.

Literature cited by the submitters: PubMed 16199547 (cited by Labcorp Genetics (formerly Invitae), Labcorp); PubMed 15475955 (cited by Labcorp Genetics (formerly Invitae), Labcorp); PubMed 21190457 (cited by Labcorp Genetics (formerly Invitae), Labcorp).

NM_001211.6(BUB1B):c.2851-1G>C

Genes: BUB1B-PAK6 (BUB1B-PAK6 readthrough; plus strand), BUB1B (BUB1 mitotic checkpoint serine/threonine kinase B; plus strand). Cytogenetic location: 15q15.1.
Variant type: single nucleotide variant.
Coding change: c.2851-1G>C on transcript NM_001211.6 (MANE Select); the canonical splice acceptor site of the intron before coding-DNA position 2851, G replaced by C.
Molecular consequence: splice acceptor variant. On other transcripts: intron variant (2).
Genome position (GRCh38, 1-based): chr15:40,218,455, G>C. VCF-style: chr15-40218455-G-C. GRCh37 (hg19) VCF-style: chr15-40510656-G-C.
Other names: c.-201+788G>C (NM_001128628.3); c.-118+788G>C (NM_001128629.3).
Identifiers: ClinVar variation 591391 (VCV000591391.4), dbSNP rs1566830754, ClinGen allele CA391688171.
Genomic context (GRCh38, chr15:40,218,455, plus strand): 5'-ATAAGCTGCCATGGTAGAGGCAGAGAATTATTTTAGCTGATGGTGCTTTTTGTGATTTCA[G>C]GTAGACCTGTTTGGTATAGCAGATTTAGCACATTTACTATTGTTCAAGGAACACCTACAG-3'